The following is an entry in ClinVar:

ClinVar aggregate classification (germline): Uncertain significance (1 of 4 stars; one submission).

Conditions:
NOTCH2-related disorder. Also called: NOTCH2-related condition.

Submission:

PreventionGenetics, part of Exact Sciences
Classification: Uncertain significance for NOTCH2-related condition. Last evaluated: 2025-10-04. Review status: criteria provided, single submitter. Criteria: ACMG Guidelines, 2015. Collection method: clinical testing. Allele origin: germline.
Comment: The NOTCH2 c.1096G>A variant is predicted to result in the amino acid substitution p.Glu366Lys. To our knowledge, this variant has not been reported in the literature or in a large population database (gnomAD), indicating this variant is rare. At this time, the clinical significance of this variant is uncertain due to the absence of conclusive functional and genetic evidence.

NM_024408.4(NOTCH2):c.1096G>A (p.Glu366Lys)

Gene: NOTCH2 (notch receptor 2; minus strand). Cytogenetic location: 1p12.
Variant type: single nucleotide variant.
Coding change: c.1096G>A on transcript NM_024408.4 (MANE Select); coding-DNA position 1096, G replaced by A.
Protein change: p.Glu366Lys; replaces glutamic acid 366 with lysine.
Molecular consequence: missense variant.
Genome position (GRCh38, 1-based): chr1:119,969,523, C>T on the plus strand (G>A on the coding strand, the complement: NOTCH2 is on the minus strand). VCF-style: chr1-119969523-C-T. GRCh37 (hg19) VCF-style: chr1-120512146-C-T.
Other names: c.1096G>A, p.Glu366Lys (NM_001200001.2); short protein forms E366K.
Identifiers: ClinVar variation 4990717 (VCV004990717.1).